The following is an entry in ClinVar:

ClinVar aggregate classification (germline): Conflicting classifications of pathogenicity. Review status: criteria provided, conflicting classifications (1 of 4 stars). 2 submissions from 2 submitters: Likely pathogenic (1); Uncertain significance (1). Last evaluated 2026-01-10.

Conditions:
Melnick-Fraser syndrome (BOR). Also called: Branchiootorenal Syndrome (BORS); Branchiootorenal syndrome; Branchio-oto-renal syndrome. Identifiers: Orphanet 107, MedGen C0265234, MONDO:0007029.
Branchiootorenal syndrome 1. Also called: Branchio-Oto-Renal Syndrome 1. Identifiers: Orphanet 107, MedGen C4551702, MONDO:0007236, OMIM 113650.

Submissions (2):

Department of Otolaryngology-Head and Neck Surgery, Shanghai Jiao Tong University Affiliated Sixth People’s Hospital
Classification: Likely pathogenic for Branchiootorenal syndrome 1. Last evaluated: 2026-01-10. Review status: criteria provided, single submitter. Criteria: ACMG Guidelines, 2015. Collection method: provider interpretation. Allele origin: germline. Inheritance: Autosomal dominant inheritance. Affected: yes. Observed: 1 variant allele, 1 heterozygote.
Comment: Variant: NM_000503.6(EYA1):c.1577T>G (p.Ile526Ser) Pathogenicity Evidence Codes: 1.PS2_strong: Confirmed by parents as a newborn mutation, with no relevant phenotype from parents. 2.PM1:The EYA homology domain (approximately 250-550 amino acids) of the EYA1 gene is the core region for its phosphatase activity and protein interactions. p.Ile526Ser is located near the C-terminus of this domain and belongs to the functionally critical region. 3.PM2_supporting: It can be expected that missense mutations that cause significant changes in amino acid properties (hydrophobic Ile ->hydrophilic Ser) in a key functional domain of a dose sensitive dominant pathogenic gene should be completely absent or have an extremely low frequency in the general population (such as gnomAD). 4.PP3_supporting：In-Silico prediction: pathogenic/all,29/36 (e.g. REVEL: 0.942; VEST4:0.997; AlphaMiscense: 0.978, etc.).

Labcorp Genetics (formerly Invitae), Labcorp
Classification: Uncertain significance for Melnick-Fraser syndrome. Last evaluated: 2023-10-05. Review status: criteria provided, single submitter. Criteria: Invitae Variant Classification Sherloc (09022015). Collection method: clinical testing. Allele origin: germline.
Comment: This sequence change replaces isoleucine, which is neutral and non-polar, with serine, which is neutral and polar, at codon 526 of the EYA1 protein (p.Ile526Ser). This variant is not present in population databases (gnomAD no frequency). This variant has not been reported in the literature in individuals affected with EYA1-related conditions. Advanced modeling of protein sequence and biophysical properties (such as structural, functional, and spatial information, amino acid conservation, physicochemical variation, residue mobility, and thermodynamic stability) has been performed at Invitae for this missense variant, however the output from this modeling did not meet the statistical confidence thresholds required to predict the impact of this variant on EYA1 protein function. In summary, the available evidence is currently insufficient to determine the role of this variant in disease. Therefore, it has been classified as a Variant of Uncertain Significance.

NM_000503.6(EYA1):c.1577T>G (p.Ile526Ser)

Gene: EYA1 (EYA transcriptional coactivator and phosphatase 1; minus strand). Cytogenetic location: 8q13.3.
Variant type: single nucleotide variant.
Coding change: c.1577T>G on transcript NM_000503.6 (MANE Select); coding-DNA position 1577, T replaced by G.
Protein change: p.Ile526Ser; replaces isoleucine 526 with serine.
Molecular consequence: missense variant.
Genome position (GRCh38, 1-based): chr8:71,215,407, A>C on the plus strand (T>G on the coding strand, the complement: EYA1 is on the minus strand). VCF-style: chr8-71215407-A-C. GRCh37 (hg19) VCF-style: chr8-72127642-A-C.
Other names: c.1577T>G, p.Ile526Ser (NM_001370335.1, NM_172058.4, NM_001370334.1); c.1556T>G, p.Ile519Ser (NM_001370336.1); c.1478T>G, p.Ile493Ser (NM_001411797.1, NM_172060.4); c.1559T>G, p.Ile520Ser (NM_172059.5, NM_001288574.2); c.1211T>G, p.Ile404Ser (NM_001288575.2); c.1664T>G, p.Ile555Ser (NM_001370333.1); short protein forms I555S, I519S, I404S, I493S, I520S, I526S.
Identifiers: ClinVar variation 2765607 (VCV002765607.3), dbSNP rs2537273857, ClinGen allele CA371466092.